The following is an entry in ClinVar:

NM_001378457.1(DMXL2):c.3881C>G (p.Ala1294Gly)

Gene: DMXL2 (Dmx like 2; minus strand). Cytogenetic location: 15q21.2.
Variant type: single nucleotide variant.
Coding change: c.3881C>G on transcript NM_001378457.1 (MANE Select); coding-DNA position 3881, C replaced by G.
Protein change: p.Ala1294Gly; replaces alanine 1294 with glycine.
Molecular consequence: missense variant. On other transcripts: non-coding transcript variant (2), intron variant (2).
Genome position (GRCh38, 1-based): chr15:51,499,343, G>C on the plus strand (C>G on the coding strand, the complement: DMXL2 is on the minus strand). VCF-style: chr15-51499343-G-C. GRCh37 (hg19) VCF-style: chr15-51791540-G-C.
Other names: c.3881C>G, p.Ala1294Gly (NM_001174116.3, NM_001378458.1, NM_001378459.1 and 4 more transcripts); c.3641C>G, p.Ala1214Gly (NM_001378464.1); c.2765-7596C>G (NM_001378460.1); c.2765-4209C>G (NM_001174117.3); short protein forms A1294G, A1214G.
Identifiers: ClinVar variation 1925147 (VCV001925147.2), dbSNP rs2043414381, ClinGen allele CA392433752.

ClinVar aggregate classification (germline): Uncertain significance (1 of 4 stars; one submission).

Allele frequency attached by ClinVar (database versions not stated): gnomAD exomes below 0.00001.
gnomAD v4.1: 6 of 1,613,864 alleles (0.00037%); highest among the groups gnomAD compares: Middle Eastern, 0.033%; no homozygotes.

Submission:

Labcorp Genetics (formerly Invitae), Labcorp
Classification: Uncertain significance. Last evaluated: 2022-04-15. Review status: criteria provided, single submitter. Criteria: Invitae Variant Classification Sherloc (09022015). Collection method: clinical testing. Allele origin: germline.
Comment: This sequence change replaces alanine, which is neutral and non-polar, with glycine, which is neutral and non-polar, at codon 1294 of the DMXL2 protein (p.Ala1294Gly). This variant is not present in population databases (gnomAD no frequency). This variant has not been reported in the literature in individuals affected with DMXL2-related conditions. Algorithms developed to predict the effect of missense changes on protein structure and function (SIFT, PolyPhen-2, Align-GVGD) all suggest that this variant is likely to be tolerated. In summary, the available evidence is currently insufficient to determine the role of this variant in disease. Therefore, it has been classified as a Variant of Uncertain Significance.